The following is an entry in ClinVar:

ClinVar aggregate classification (germline): Likely pathogenic (1 of 4 stars; one submission).

Conditions:
Autism, susceptibility to, X-linked 1 (AUTSX1). Also called: Autism susceptibility, X-linked 1. Identifiers: MedGen C1845540, MONDO:0010321, OMIM 300425.

Submission:

Foundation for Research in Genetics and Endocrinology, FRIGE's Institute of Human Genetics
Classification: Likely pathogenic for Autism, susceptibility to, X-linked 1. Last evaluated: 2022-11-15. Review status: criteria provided, single submitter. Criteria: ACMG Guidelines, 2015. Collection method: research. Allele origin: de novo. Inheritance: X-linked inheritance. Affected: yes. Observed: 1 heterozygote.
Comment: A hemizygous missense variant in exon 8 of the NLGN3 gene (chr23:g.70389622T>G; Depth: 47x) that results in the amino acid substitution of Arginine for Leucine at codon 741 (p.Leu741Arg; ENST00000358741.3) was detected. This variant has not been reported in the 1000 genomes and gnomAD databases. The in-silico prediction of the variant is disease causing by MutationTaster2. Based on the above evidence, the variant is classified as likely pathogenic.

NM_181303.2(NLGN3):c.2222T>G (p.Leu741Arg)

Gene: NLGN3 (neuroligin 3; plus strand). Cytogenetic location: Xq13.1.
Variant type: single nucleotide variant.
Coding change: c.2222T>G on transcript NM_181303.2 (MANE Select); coding-DNA position 2222, T replaced by G.
Protein change: p.Leu741Arg; replaces leucine 741 with arginine.
Molecular consequence: missense variant.
Genome position (GRCh38, 1-based): chrX:71,169,772, T>G. VCF-style: chrX-71169772-T-G. GRCh37 (hg19) VCF-style: chrX-70389622-T-G.
Other names: p.Leu741Arg; c.2102T>G, p.Leu701Arg (NM_001166660.2); c.1811T>G, p.Leu604Arg (NM_001321276.2); c.2162T>G, p.Leu721Arg (NM_018977.4); short protein forms L604R, L701R, L721R, L741R.
Identifiers: ClinVar variation 1806399 (VCV001806399.3), dbSNP rs1460006418, ClinGen allele CA413566834.
Genomic context (GRCh38, chrX:71,169,772, plus strand): 5'-TTAACGTTCTGGCCTTCGCTGCCCTCTACTACCGTAAGGACAAACGGCGCCAGGAGCCCC[T>G]GCGGCAGCCTAGCCCTCAGCGGGGAGCCGGGGCCCCGGAGTTGGGAGCTGCTCCAGAGGA-3'
Protein context (NP_851820.1, residues 731-751): YRKDKRRQEP[Leu741Arg]RQPSPQRGAG